The following is an entry in ClinVar:

NM_006940.6(SOX5):c.2204T>A (p.Ile735Asn)

Gene: SOX5 (SRY-box transcription factor 5; minus strand). Cytogenetic location: 12p12.1.
Variant type: single nucleotide variant.
Coding change: c.2204T>A on transcript NM_006940.6 (MANE Select); coding-DNA position 2204, T replaced by A.
Protein change: p.Ile735Asn; replaces isoleucine 735 with asparagine.
Molecular consequence: missense variant.
Genome position (GRCh38, 1-based): chr12:23,534,307, A>T on the plus strand (T>A on the coding strand, the complement: SOX5 is on the minus strand). VCF-style: chr12-23534307-A-T. GRCh37 (hg19) VCF-style: chr12-23687241-A-T.
Other names: c.1841T>A, p.Ile614Asn (NM_001261414.3); c.2174T>A, p.Ile725Asn (NM_001261415.3); c.2099T>A, p.Ile700Asn (NM_001330785.2); c.2165T>A, p.Ile722Asn (NM_152989.5); c.1046T>A, p.Ile349Asn (NM_178010.4); short protein forms I349N, I614N, I700N, I722N, I725N, I735N.
Identifiers: ClinVar variation 3900501 (VCV003900501.1).
Genomic context (GRCh38, chr12:23,534,307, plus strand): 5'-TCACTGTCACTCCCATAATCTACATCTGGATCATCCTCTTCCTCGTCGTACTCATCATAA[A>T]TTTCTCCATTGATGTCCTCGGCCTGTATCTCTTCTTTGATATGTGGCTCCTCTCCTTTCA-3'
Protein context (NP_008871.3, residues 725-745): EIQAEDINGE[Ile735Asn]YDEYDEEEDD

ClinVar aggregate classification (germline): Uncertain significance (1 of 4 stars; one submission).

gnomAD v4.1: 1 of 1,614,066 alleles (0.000062%); highest among the groups gnomAD compares: Admixed American, 0.0017%; no homozygotes.

Submission:

GeneDx
Classification: Uncertain significance. Last evaluated: 2024-11-21. Review status: criteria provided, single submitter. Criteria: GeneDx Variant Classification Process June 2021. Collection method: clinical testing. Allele origin: germline. Affected: yes.
Comment: Not observed at significant frequency in large population cohorts (gnomAD); In silico analysis indicates that this missense variant does not alter protein structure/function; Has not been previously published as pathogenic or benign to our knowledge